The following is an entry in ClinVar:

NM_000262.3(NAGA):c.91C>G (p.Leu31Val)

Genes: NAGA (alpha-N-acetylgalactosaminidase; minus strand), LOC126863160 (CDK7 strongly-dependent group 2 enhancer GRCh37_chr22:42462918-42464117; plus strand). Cytogenetic location: 22q13.2.
Variant type: single nucleotide variant.
Coding change: c.91C>G on transcript NM_000262.3 (MANE Select); coding-DNA position 91, C replaced by G.
Protein change: p.Leu31Val; replaces leucine 31 with valine.
Molecular consequence: missense variant.
Genome position (GRCh38, 1-based): chr22:42,068,500, G>C on the plus strand (C>G on the coding strand, the complement: NAGA is on the minus strand). VCF-style: chr22-42068500-G-C. GRCh37 (hg19) VCF-style: chr22-42464504-G-C.
Other names: c.91C>G, p.Leu31Val (NM_001362848.1, NM_001362850.1); short protein forms L31V.
Identifiers: ClinVar variation 1992431 (VCV001992431.1), dbSNP rs1036331863, ClinGen allele CA324657271.

ClinVar aggregate classification (germline): Uncertain significance (1 of 4 stars; one submission).

Conditions:
Alpha-N-acetylgalactosaminidase deficiency type 1. Also called: SCHINDLER DISEASE, TYPE I; NAGA DEFICIENCY, TYPE I; NEUROAXONAL DYSTROPHY, SCHINDLER TYPE; ALPHA-N-ACETYLGALACTOSAMINIDASE DEFICIENCY, TYPE I. Identifiers: Orphanet 3137, Orphanet 79279, Orphanet 79281, MedGen C1836544, MONDO:0012221, OMIM 609241.

Allele frequency attached by ClinVar (database versions not stated): gnomAD 0.00001; TOPMed 0.00001.
gnomAD v4.1: 9 of 1,614,034 alleles (0.00056%); highest among the groups gnomAD compares: Admixed American, 0.0017%; no homozygotes.

Submission:

Labcorp Genetics (formerly Invitae), Labcorp
Classification: Uncertain significance for Alpha-N-acetylgalactosaminidase deficiency type 1. Last evaluated: 2022-07-01. Review status: criteria provided, single submitter. Criteria: Invitae Variant Classification Sherloc (09022015). Collection method: clinical testing. Allele origin: germline.
Comment: This sequence change replaces leucine, which is neutral and non-polar, with valine, which is neutral and non-polar, at codon 31 of the NAGA protein (p.Leu31Val). This variant is present in population databases (no rsID available, gnomAD 0.003%). This variant has not been reported in the literature in individuals affected with NAGA-related conditions. Algorithms developed to predict the effect of missense changes on protein structure and function are either unavailable or do not agree on the potential impact of this missense change (SIFT: "Deleterious"; PolyPhen-2: "Benign"; Align-GVGD: "Class C0"). In summary, the available evidence is currently insufficient to determine the role of this variant in disease. Therefore, it has been classified as a Variant of Uncertain Significance.